The following is an entry in ClinVar:

NM_000492.4(CFTR):c.3347T>C (p.Phe1116Ser)

Genes: CFTR (CF transmembrane conductance regulator; plus strand), CFTR-AS2 (CFTR antisense RNA 2; minus strand), LOC111674472 (DNase I hypersensitive sites in introns 16 and 17a of CFTR; plus strand). Cytogenetic location: 7q31.2.
Variant type: single nucleotide variant.
Coding change: c.3347T>C on transcript NM_000492.4 (MANE Select); coding-DNA position 3347, T replaced by C.
Protein change: p.Phe1116Ser; replaces phenylalanine 1116 with serine.
Molecular consequence: missense variant.
Genome position (GRCh38, 1-based): chr7:117,611,788, T>C. VCF-style: chr7-117611788-T-C. GRCh37 (hg19) VCF-style: chr7-117251842-T-C.
Other names: short protein forms F1116S.
Identifiers: ClinVar variation 4227448 (VCV004227448.1).
Genomic context (GRCh38, chr7:117,611,788, plus strand): 5'-TGCGCTGGTTCCAAATGAGAATAGAAATGATTTTTGTCATCTTCTTCATTGCTGTTACCT[T>C]CATTTCCATTTTAACAACAGGTACTATGAACTCATTAACTTTAGCTAAGCATTTAAGTAA-3'
Protein context (NP_000483.3, residues 1106-1126): IFVIFFIAVT[Phe1116Ser]ISILTTGEGE

ClinVar aggregate classification (germline): Uncertain significance (1 of 4 stars; one submission).

Conditions:
Cystic fibrosis (CF). Also called: MUCOVISCIDOSIS. Identifiers: Orphanet 586, MedGen C0010674, MONDO:0009061, OMIM 219700. Disease mechanism: loss of function.

Submission:

Ambry Genetics
Classification: Uncertain significance for Cystic fibrosis. Last evaluated: 2025-09-10. Review status: criteria provided, single submitter. Criteria: Ambry Variant Classification Scheme 2023. Collection method: clinical testing. Allele origin: germline.
Comment: The p.F1116S variant (also known as c.3347T>C), located in coding exon 20 of the CFTR gene, results from a T to C substitution at nucleotide position 3347. The phenylalanine at codon 1116 is replaced by serine, an amino acid with highly dissimilar properties. This amino acid position is conserved. In addition, this alteration is predicted to be deleterious by in silico analysis. Based on the available evidence, the clinical significance of this variant remains unclear.